The following is an entry in ClinVar:

ClinVar aggregate classification (germline): Likely benign (1 of 4 stars; one submission).

Allele frequency attached by ClinVar (database versions not stated): gnomAD 0.01343 and 0.01443; TOPMed 0.01525; 1000 Genomes Project 0.01577; 1000 Genomes Project 30x 0.01577; ESP Exome Variant Server 0.01807.
gnomAD v4.1: 4,016 of 1,613,900 alleles (0.25%); highest among the groups gnomAD compares: African/African-American, 4.8%; 88 homozygotes.

Submission:

GeneDx
Classification: Likely benign. Last evaluated: 2018-06-16. Review status: criteria provided, single submitter. Criteria: GeneDx Variant Classification (06012015). Collection method: clinical testing. Allele origin: germline. Affected: yes.
Comment: This variant is considered likely benign or benign based on one or more of the following criteria: it is a conservative change, it occurs at a poorly conserved position in the protein, it is predicted to be benign by multiple in silico algorithms, and/or has population frequency not consistent with disease.

NM_001098.3(ACO2):c.1954-32G>C

Genes: ACO2 (aconitase 2; plus strand), POLR3H (RNA polymerase III subunit H; minus strand). Cytogenetic location: 22q13.2.
Variant type: single nucleotide variant.
Coding change: c.1954-32G>C on transcript NM_001098.3 (MANE Select); 32 bases into the intron before coding-DNA position 1954, G replaced by C.
Molecular consequence: intron variant. On other transcripts: 3 prime UTR variant (5).
Genome position (GRCh38, 1-based): chr22:41,527,256, G>C. VCF-style: chr22-41527256-G-C. GRCh37 (hg19) VCF-style: chr22-41923260-G-C.
Other names: c.*2027C>G (NM_001018050.4, NM_001018052.4, NM_001282884.2 and 2 more transcripts).
Identifiers: ClinVar variation 675927 (VCV000675927.2), dbSNP rs78241684, ClinGen allele CA10257830.